The following is an entry in ClinVar:

NM_006059.4(LAMC3):c.3632A>G (p.Tyr1211Cys)

Gene: LAMC3 (laminin subunit gamma 3; plus strand). Cytogenetic location: 9q34.12.
Variant type: single nucleotide variant.
Coding change: c.3632A>G on transcript NM_006059.4 (MANE Select); coding-DNA position 3632, A replaced by G.
Protein change: p.Tyr1211Cys; replaces tyrosine 1211 with cysteine.
Molecular consequence: missense variant.
Genome position (GRCh38, 1-based): chr9:131,077,189, A>G. VCF-style: chr9-131077189-A-G. GRCh37 (hg19) VCF-style: chr9-133952576-A-G.
Other names: short protein forms Y1211C.
Identifiers: ClinVar variation 1514110 (VCV001514110.6), dbSNP rs1162970701, ClinGen allele CA375261126.

ClinVar aggregate classification (germline): Uncertain significance (1 of 4 stars; one submission).

Allele frequency attached by ClinVar (database versions not stated): gnomAD exomes below 0.00001; TOPMed 0.00002; gnomAD 0.00003 and 0.00004.
gnomAD v4.1: 7 of 1,613,396 alleles (0.00043%); highest among the groups gnomAD compares: Non-Finnish European, 0.00059%; no homozygotes.

Submission:

Labcorp Genetics (formerly Invitae), Labcorp
Classification: Uncertain significance. Last evaluated: 2024-10-24. Review status: criteria provided, single submitter. Criteria: Invitae Variant Classification Sherloc (09022015). Collection method: clinical testing. Allele origin: germline.
Comment: This sequence change replaces tyrosine, which is neutral and polar, with cysteine, which is neutral and slightly polar, at codon 1211 of the LAMC3 protein (p.Tyr1211Cys). The frequency data for this variant in the population databases is considered unreliable, as metrics indicate poor data quality at this position in the gnomAD database. This variant has not been reported in the literature in individuals affected with LAMC3-related conditions. ClinVar contains an entry for this variant (Variation ID: 1514110). An algorithm developed to predict the effect of missense changes on protein structure and function (PolyPhen-2) suggests that this variant is likely to be disruptive. In summary, the available evidence is currently insufficient to determine the role of this variant in disease. Therefore, it has been classified as a Variant of Uncertain Significance.